The following is an entry in ClinVar:

ClinVar aggregate classification (germline): Uncertain significance. Review status: criteria provided, multiple submitters, no conflicts (2 of 4 stars). 3 submissions from 3 submitters: Uncertain significance (3). Last evaluated 2025-12-17.

Conditions:
Hereditary cancer-predisposing syndrome. Also called: Neoplastic Syndromes, Hereditary; Hereditary Cancer Syndrome; Hereditary neoplastic syndrome; Tumor predisposition. Identifiers: Orphanet 140162, MedGen C0027672, MeSH D009386, MONDO:0015356.
Hereditary breast ovarian cancer syndrome. Also called: Hereditary breast and ovarian cancer syndrome (HBOC); Hereditary breast and ovarian cancer syndrome; Breast and ovarian cancer; Hereditary breast and/or ovarian cancer syndrome; Hereditary breast and ovarian cancer; BRCA1- and BRCA2-Associated Hereditary Breast and Ovarian Cancer. Identifiers: Orphanet 145, MedGen C0677776, MeSH D061325, MONDO:0003582. Disease mechanism: loss of function.

Allele frequency attached by ClinVar (database versions not stated): ExAC 0.00001; gnomAD 0.00001; 1000 Genomes Project 30x 0.00016; 1000 Genomes Project 0.00020.
gnomAD v4.1: 1 of 1,601,832 alleles (0.000062%); highest among the groups gnomAD compares: South Asian, 0.0011%; no homozygotes.

Submissions (3):

Labcorp Genetics (formerly Invitae), Labcorp
Classification: Uncertain significance for Hereditary breast ovarian cancer syndrome. Last evaluated: 2025-12-17. Review status: criteria provided, single submitter. Criteria: Invitae Variant Classification Sherloc (09022015). Collection method: clinical testing. Allele origin: germline.
Comment: This sequence change replaces proline, which is neutral and non-polar, with serine, which is neutral and polar, at codon 133 of the BRCA2 protein (p.Pro133Ser). This variant is present in population databases (rs571823764, gnomAD 0.003%). This variant has not been reported in the literature in individuals affected with BRCA2-related conditions. ClinVar contains an entry for this variant (Variation ID: 462317). Invitae Evidence Modeling of protein sequence and biophysical properties (such as structural, functional, and spatial information, amino acid conservation, physicochemical variation, residue mobility, and thermodynamic stability) indicates that this missense variant is not expected to disrupt BRCA2 protein function with a negative predictive value of 95%. In summary, the available evidence is currently insufficient to determine the role of this variant in disease. Therefore, it has been classified as a Variant of Uncertain Significance.

Color Diagnostics, LLC DBA Color Health
Classification: Uncertain significance for Hereditary cancer-predisposing syndrome. Last evaluated: 2023-08-31. Review status: criteria provided, single submitter. Criteria: ACMG Guidelines, 2015. Collection method: clinical testing. Allele origin: germline.
Comment: This missense variant replaces proline with serine at codon 133 of the BRCA2 protein. Computational prediction suggests that this variant may not impact protein structure and function (internally defined REVEL score threshold <= 0.5, PMID: 27666373). To our knowledge, functional studies have not been reported for this variant. This variant has not been reported in individuals affected with BRCA2-related disorders in the literature, but has been reported in an unaffected individual (PMID: 33471991; Leiden Open Variation Database DB-ID BRCA2_007706). This variant has been identified in 1/250874 chromosomes in the general population by the Genome Aggregation Database (gnomAD). The available evidence is insufficient to determine the role of this variant in disease conclusively. Therefore, this variant is classified as a Variant of Uncertain Significance.

Quest Diagnostics Nichols Institute San Juan Capistrano
Classification: Uncertain significance. Last evaluated: 2020-07-11. Review status: criteria provided, single submitter. Criteria: Quest Diagnostics criteria. Collection method: clinical testing. Allele origin: unknown.

Literature cited by the submitters: PubMed 33471991 (cited by Color Diagnostics, LLC DBA Color Health).

NM_000059.4(BRCA2):c.397C>T (p.Pro133Ser)

Gene: BRCA2 (BRCA2 DNA repair associated; plus strand). Cytogenetic location: 13q13.1.
Variant type: single nucleotide variant.
Coding change: c.397C>T on transcript NM_000059.4 (MANE Select); coding-DNA position 397, C replaced by T.
Protein change: p.Pro133Ser; replaces proline 133 with serine.
Molecular consequence: missense variant.
Genome position (GRCh38, 1-based): chr13:32,325,156, C>T. VCF-style: chr13-32325156-C-T. GRCh37 (hg19) VCF-style: chr13-32899293-C-T.
Other names: short protein forms P133S.
Identifiers: ClinVar variation 462317 (VCV000462317.14), dbSNP rs571823764, ClinGen allele CA6940355.